The following is an entry in ClinVar:

NM_022114.4(PRDM16):c.472G>A (p.Val158Met)

Gene: PRDM16 (PR/SET domain 16; plus strand). Cytogenetic location: 1p36.32.
Variant type: single nucleotide variant.
Coding change: c.472G>A on transcript NM_022114.4 (MANE Select); coding-DNA position 472, G replaced by A.
Protein change: p.Val158Met; replaces valine 158 with methionine.
Molecular consequence: missense variant.
Genome position (GRCh38, 1-based): chr1:3,385,185, G>A. VCF-style: chr1-3385185-G-A. GRCh37 (hg19) VCF-style: chr1-3301749-G-A.
Other names: c.472G>A, p.Val158Met (NM_199454.3); short protein forms V158M.
Identifiers: ClinVar variation 1447526 (VCV001447526.8), dbSNP rs948941830, ClinGen allele CA17000334.

ClinVar aggregate classification (germline): Uncertain significance. Review status: criteria provided, multiple submitters, no conflicts (2 of 4 stars). 2 submissions from 2 submitters: Uncertain significance (2). Last evaluated 2025-07-14.

Conditions:
Left ventricular noncompaction 8 (LVNC8). Identifiers: Orphanet 154, Orphanet 54260, MedGen C3809288, MONDO:0014152, OMIM 615373.

Allele frequency attached by ClinVar (database versions not stated): gnomAD exomes 0.00001 and 0.00002; gnomAD 0.00001; TOPMed 0.00002.
gnomAD v4.1: 18 of 1,613,604 alleles (0.0011%); highest among the groups gnomAD compares: Admixed American, 0.0067%; no homozygotes.

Submissions (2):

Labcorp Genetics (formerly Invitae), Labcorp
Classification: Uncertain significance for Left ventricular noncompaction 8. Last evaluated: 2025-07-14. Review status: criteria provided, single submitter. Criteria: Invitae Variant Classification Sherloc (09022015). Collection method: clinical testing. Allele origin: germline.
Comment: This sequence change replaces valine, which is neutral and non-polar, with methionine, which is neutral and non-polar, at codon 158 of the PRDM16 protein (p.Val158Met). This variant is present in population databases (no rsID available, gnomAD 0.006%). This variant has not been reported in the literature in individuals affected with PRDM16-related conditions. ClinVar contains an entry for this variant (Variation ID: 1447526). An algorithm developed to predict the effect of missense changes on protein structure and function outputs the following: PolyPhen-2: "Benign". The methionine amino acid residue is found in multiple mammalian species, which suggests that this missense change does not adversely affect protein function. In summary, the available evidence is currently insufficient to determine the role of this variant in disease. Therefore, it has been classified as a Variant of Uncertain Significance.

Dasa
Classification: Uncertain significance. Last evaluated: 2025-06-13. Review status: criteria provided, single submitter. Criteria: DASA Assertion Criteria. Collection method: clinical testing. Allele origin: germline.
Comment: NM_022114.4(PRDM16):c.472G>A (p.Val158Met) is a missense variant that results in the substitution of valine with methionine. This variant is rare in population databases. Computational prediction algorithms are consistent with a benign effect. The currently available literature and clinical evidence are not sufficient to establish a definitive association between this variant and the reported condition. Therefore, this variant is classified as a variant of uncertain significance.